The following is an entry in ClinVar:

NC_000009.12:g.(?_36227238)_(36227468_?)dup

Gene: GNE (glucosamine (UDP-N-acetyl)-2-epimerase/N-acetylmannosamine kinase; minus strand). Cytogenetic location: 9p13.3.
Variant type: Duplication.
Identifiers: ClinVar variation 832365 (VCV000832365.6).

ClinVar aggregate classification (germline): Likely pathogenic (1 of 4 stars; one submission).

Conditions:
Sialuria. Also called: Sialic Acid Storage Disease; SIALURIA, FRENCH TYPE. Identifiers: Orphanet 3166, MedGen C0342853, MONDO:0010028, OMIM 269921.
GNE myopathy (NM). Also called: IBM 2; Inclusion body myopathy autosomal recessive; Inclusion body myopathy quadriceps sparing; INCLUSION BODY MYOPATHY, HEREDITARY, AUTOSOMAL RECESSIVE; NONAKA DISTAL MYOPATHY; INCLUSION BODY MYOPATHY 2, AUTOSOMAL RECESSIVE. Identifiers: Orphanet 602, MedGen C1853926, MONDO:0011603, OMIM 605820.

Submission:

Labcorp Genetics (formerly Invitae), Labcorp
Classification: Likely pathogenic for Sialuria; GNE myopathy. Last evaluated: 2022-02-05. Review status: criteria provided, single submitter. Criteria: Invitae Variant Classification Sherloc (09022015). Collection method: clinical testing. Allele origin: germline.
Comment: This variant results in a copy number gain of the genomic region encompassing exon(s) 7 of the GNE gene. While the exact position of this variant cannot be determined from the data, sub-genic copy number gains are generally in tandem (PMID: 25640679). This variant is predicted to be out-of-frame, and may result in an absent or disrupted protein product. Loss-of-function variants in GNE are known to be pathogenic (PMID: 24027297). This variant has not been reported in the literature in individuals affected with GNE-related conditions. In summary, the currently available evidence indicates that the variant is pathogenic, but additional data are needed to prove that conclusively. Therefore, this variant has been classified as Likely Pathogenic.

Literature cited by the submitters: PubMed 25640679; PubMed 24027297.